The following is an entry in ClinVar:

NM_007272.3(CTRC):c.688G>C (p.Glu230Gln)

Gene: CTRC (chymotrypsin C; plus strand). Cytogenetic location: 1p36.21.
Variant type: single nucleotide variant.
Coding change: c.688G>C on transcript NM_007272.3 (MANE Select); coding-DNA position 688, G replaced by C.
Protein change: p.Glu230Gln; replaces glutamic acid 230 with glutamine.
Molecular consequence: missense variant.
Genome position (GRCh38, 1-based): chr1:15,445,645, G>C. VCF-style: chr1-15445645-G-C. GRCh37 (hg19) VCF-style: chr1-15772140-G-C.
Other names: short protein forms E230Q.
Identifiers: ClinVar variation 5035049 (VCV005035049.1).

ClinVar aggregate classification (germline): Uncertain significance (1 of 4 stars; one submission).

Conditions:
Hereditary pancreatitis (PCTT). Also called: Hereditary chronic pancreatitis; PRSS1-Related Hereditary Pancreatitis. Identifiers: Orphanet 676, MedGen C0238339, MONDO:0008185, OMIM 167800.

Submission:

Ambry Genetics
Classification: Uncertain significance for Hereditary pancreatitis. Last evaluated: 2026-07-16. Review status: criteria provided, single submitter. Criteria: Ambry Variant Classification Scheme 2023. Collection method: clinical testing. Allele origin: germline.
Comment: The p.E230Q variant (also known as c.688G>C), located in coding exon 7 of the CTRC gene, results from a G to C substitution at nucleotide position 688. The glutamic acid at codon 230 is replaced by glutamine, an amino acid with highly similar properties. This amino acid position is conserved. In addition, this alteration is predicted to be tolerated by in silico analysis. Based on the available evidence, the clinical significance of this variant remains unclear.